The following is an entry in ClinVar:

ClinVar aggregate classification (germline): Uncertain significance. Review status: criteria provided, single submitter (1 of 4 stars). 2 submissions from 2 submitters: Uncertain significance (1). 1 of the submissions does not count toward it. Last evaluated 2015-06-29.

Conditions:
Hereditary cancer-predisposing syndrome. Also called: Hereditary Cancer Syndrome; Neoplastic Syndromes, Hereditary; Hereditary neoplastic syndrome; Tumor predisposition. Identifiers: Orphanet 140162, MedGen C0027672, MeSH D009386, MONDO:0015356.
Breast-ovarian cancer, familial, susceptibility to, 2 (BROVCA2). Also called: BRCA2 Hereditary Breast and Ovarian Cancer. Identifiers: Orphanet 145, MedGen C2675520, MONDO:0012933, OMIM 612555. Disease mechanism: loss of function.

Submissions (2):

Ambry Genetics
Classification: Uncertain significance for Hereditary cancer-predisposing syndrome. Last evaluated: 2015-06-29. Review status: criteria provided, single submitter. Criteria: Ambry Variant Classification Scheme 2023. Collection method: clinical testing. Allele origin: germline.
Comment: The p.E49V variant (also known as c.146A>T and 374A>T), located in coding exon 2 of the BRCA2 gene, results from an A to T substitution at nucleotide position 146. The glutamic acid at codon 49 is replaced by valine, an amino acid with dissimilar properties. This variant was not reported in population based cohorts in the following databases: Database of Single Nucleotide Polymorphisms (dbSNP), NHLBI Exome Sequencing Project (ESP), and 1000 Genomes Project. In the ESP, this variant was not observed in 6503 samples (13006 alleles) with coverage at this position. To date, this alteration has been detected with an allele frequency of approximately 0.001% (greater than 15000 alleles tested) in our clinical cohort. This amino acid position is not well conserved in available vertebrate species. In addition, this alteration is predicted to be tolerated by in silico analysis. Since supporting evidence is limited at this time, the clinical significance of p.E49V remains unclear.

Sharing Clinical Reports Project (SCRP)
Classification: Uncertain significance for Breast-ovarian cancer, familial 2. Last evaluated: 2012-05-01. Review status: no assertion criteria provided. Collection method: clinical testing. Allele origin: germline. Not counted in ClinVar's aggregate classification.

NM_000059.4(BRCA2):c.146A>T (p.Glu49Val)

Gene: BRCA2 (BRCA2 DNA repair associated; plus strand). Cytogenetic location: 13q13.1.
Variant type: single nucleotide variant.
Coding change: c.146A>T on transcript NM_000059.4 (MANE Select); coding-DNA position 146, A replaced by T.
Protein change: p.Glu49Val; replaces glutamic acid 49 with valine.
Molecular consequence: missense variant.
Genome position (GRCh38, 1-based): chr13:32,319,155, A>T. VCF-style: chr13-32319155-A-T. GRCh37 (hg19) VCF-style: chr13-32893292-A-T.
Other names: 374A>T; short protein forms E49V.
Identifiers: ClinVar variation 96765 (VCV000096765.6), dbSNP rs431825283, ClinGen allele CA012159.
Genomic context (GRCh38, chr13:32,319,155, plus strand): 5'-TTAATTGGTTTGAAGAACTTTCTTCAGAAGCTCCACCCTATAATTCTGAACCTGCAGAAG[A>T]ATCTGAACATAAAAACAACAATTACGAACCAAACCTATTTAAAACTCCACAAAGGAAACC-3'
Protein context (NP_000050.3, residues 39-59): APPYNSEPAE[Glu49Val]SEHKNNNYEP